The following is an entry in ClinVar:

NM_000352.6(ABCC8):c.1818-1G>T

Gene: ABCC8 (ATP binding cassette subfamily C member 8; minus strand). Cytogenetic location: 11p15.1.
Variant type: single nucleotide variant.
Coding change: c.1818-1G>T on transcript NM_000352.6 (MANE Select); the canonical splice acceptor site of the intron before coding-DNA position 1818, G replaced by T.
Molecular consequence: splice acceptor variant.
Genome position (GRCh38, 1-based): chr11:17,428,671, C>A on the plus strand (G>T on the coding strand, the complement: ABCC8 is on the minus strand). VCF-style: chr11-17428671-C-A. GRCh37 (hg19) VCF-style: chr11-17450218-C-A.
Other names: c.1815-1G>T (NM_001351297.2, NM_001351296.2); c.1818-1G>T (NM_001351295.2, NM_001287174.3).
Identifiers: ClinVar variation 5003239 (VCV005003239.1).

ClinVar aggregate classification (germline): Likely pathogenic (1 of 4 stars; one submission).

Conditions:
Hyperinsulinemic hypoglycemia, familial, 1 (HHF1). Also called: Persistent hyperinsulinemic hypoglycemia of infancy; NESIDIOBLASTOSIS OF PANCREAS; HYPERINSULINISM, FAMILIAL, WITH PANCREATIC NESIDIOBLASTOSIS; HYPOGLYCEMIA, HYPERINSULINEMIC, OF INFANCY; Persistent Hyperinsulinemia Hypoglycemia of Infancy. Identifiers: Orphanet 276575, Orphanet 276598, MedGen C2931832, MONDO:0009734, OMIM 256450.

Submission:

Myriad Genetics, Inc.
Classification: Likely pathogenic for Hyperinsulinemic hypoglycemia, familial, 1. Last evaluated: 2025-08-13. Review status: criteria provided, single submitter. Criteria: Myriad Autosomal Dominant, Autosomal Recessive and X-Linked Classification Criteria (2023). Collection method: clinical testing. Allele origin: unknown.
Comment: NM_000352.3(ABCC8):c.1818-1G>T is a variant in a canonical splice site classified as likely pathogenic in the context of familial hyperinsulinism, ABCC8-related. c.1818-1G>T has not been observed in cases with relevant disease. Relevant functional assessments of this variant are not available in the literature. c.1818-1G>T has not been observed in referenced population frequency databases. In summary, NM_000352.3(ABCC8):c.1818-1G>T is a variant in a canonical splice site in a gene where loss of function is a known mechanism of disease and is predicted to disrupt protein function. Please note: this variant was assessed in the context of healthy population screening.